The following is an entry in ClinVar:

NM_001378615.1(CC2D2A):c.1994_1995dup (p.Cys666fs)

Genes: CC2D2A (coiled-coil and C2 domain containing 2A; plus strand), FBXL5 (F-box and leucine rich repeat protein 5; minus strand). Cytogenetic location: 4p15.32.
Variant type: Duplication.
Coding change: c.1994_1995dup on transcript NM_001378615.1 (MANE Select); coding-DNA positions 1994 to 1995, 2 bases duplicated (AG; older notation c.1994_1995dupAG).
Protein change: p.Cys666fs; shifts the reading frame from cysteine 666.
Molecular consequence: frameshift variant.
Genome position (GRCh38, 1-based): chr4:15,538,128-15,538,129, AG duplicated. VCF-style (leftmost placement, unchanged base first): chr4-15538127-C-CAG. GRCh37 (hg19) VCF-style: chr4-15539750-C-CAG.
Other names: c.1994_1995dup, p.Cys666fs (NM_001080522.2); c.1847_1848dup, p.Cys617fs (NM_001378617.1); short protein forms C617fs, C666fs.
Identifiers: ClinVar variation 5014163 (VCV005014163.1).

ClinVar aggregate classification (germline): Pathogenic (1 of 4 stars; one submission).

Conditions:
Joubert syndrome and related disorders. Identifiers: Orphanet 140874, MedGen C5679612, MONDO:0015369.

Submission:

Myriad Genetics, Inc.
Classification: Pathogenic for Joubert syndrome and related disorders. Last evaluated: 2025-03-01. Review status: criteria provided, single submitter. Criteria: Myriad Autosomal Dominant, Autosomal Recessive and X-Linked Classification Criteria (2023). Collection method: clinical testing. Allele origin: unknown.
Comment: NM_001080522.2(CC2D2A):c.1994_1995dupAG(C666Sfs*13) is expected to be pathogenic in the context of CC2D2A-related disorders. This variant is predicted to lead to an abnormal or absent protein product due to the creation of a premature termination codon in CC2D2A, a gene where loss-of-function variants are known to be pathogenic. Please note: this variant was assessed in the context of healthy population screening.